The following is an entry in ClinVar:

ClinVar aggregate classification (germline): Uncertain significance (1 of 4 stars; one submission).

Allele frequency attached by ClinVar (database versions not stated): ExAC 0.00001; gnomAD exomes 0.00001.

Submission:

Labcorp Genetics (formerly Invitae), Labcorp
Classification: Uncertain significance. Last evaluated: 2021-08-30. Review status: criteria provided, single submitter. Criteria: Invitae Variant Classification Sherloc (09022015). Collection method: clinical testing. Allele origin: germline.
Comment: This sequence change replaces glutamine with histidine at codon 337 of the CYP2R1 protein (p.Gln337His). The glutamine residue is moderately conserved and there is a small physicochemical difference between glutamine and histidine. This variant is present in population databases (rs782422294, ExAC 0.01%). This variant has not been reported in the literature in individuals affected with CYP2R1-related conditions. Algorithms developed to predict the effect of missense changes on protein structure and function output the following: SIFT: "Tolerated"; PolyPhen-2: "Benign"; Align-GVGD: "Class C0". The histidine amino acid residue is found in multiple mammalian species, which suggests that this missense change does not adversely affect protein function. In summary, the available evidence is currently insufficient to determine the role of this variant in disease. Therefore, it has been classified as a Variant of Uncertain Significance.

NM_024514.5(CYP2R1):c.1011G>T (p.Gln337His)

Genes: CYP2R1 (cytochrome P450 family 2 subfamily R member 1; minus strand), PDE3B (phosphodiesterase 3B; plus strand). Cytogenetic location: 11p15.2.
Variant type: single nucleotide variant.
Coding change: c.1011G>T on transcript NM_024514.5 (MANE Select); coding-DNA position 1011, G replaced by T.
Protein change: p.Gln337His; replaces glutamine 337 with histidine.
Molecular consequence: missense variant.
Genome position (GRCh38, 1-based): chr11:14,879,433, C>A on the plus strand (G>T on the coding strand, the complement: CYP2R1 is on the minus strand). VCF-style: chr11-14879433-C-A. GRCh37 (hg19) VCF-style: chr11-14900979-C-A.
Other names: c.666G>T, p.Gln222His (NM_001377214.1, NM_001377215.1, NM_001377216.1 and 1 more transcripts); c.849G>T, p.Gln283His (NM_001377217.1); short protein forms Q222H, Q283H, Q337H.
Identifiers: ClinVar variation 1059302 (VCV001059302.6), dbSNP rs782422294, ClinGen allele CA5896570.
Genomic context (GRCh38, chr11:14,879,433, plus strand): 5'-TTTGCATTTGTCGTCCCAAGAAGGCTTCCCATTAGGGCCCATAATTAAATCAATCTCTTT[C>A]TGAACTTGTCCTGTCAGAGAAAAAGTATTCAAGTTATTATGCAGTTCTTAGAATTATACC-3'
Protein context (NP_078790.2, residues 327-347): ALYPNIQGQV[Gln337His]KEIDLIMGPN